The following is an entry in ClinVar:

NM_032043.3(BRIP1):c.562G>T (p.Asp188Tyr)

Gene: BRIP1 (BRCA1 interacting DNA helicase 1; minus strand). Cytogenetic location: 17q23.2.
Variant type: single nucleotide variant.
Coding change: c.562G>T on transcript NM_032043.3 (MANE Select); coding-DNA position 562, G replaced by T.
Protein change: p.Asp188Tyr; replaces aspartic acid 188 with tyrosine.
Molecular consequence: missense variant.
Genome position (GRCh38, 1-based): chr17:61,847,166, C>A on the plus strand (G>T on the coding strand, the complement: BRIP1 is on the minus strand). VCF-style: chr17-61847166-C-A. GRCh37 (hg19) VCF-style: chr17-59924527-C-A.
Other names: short protein forms D188Y.
Identifiers: ClinVar variation 3748148 (VCV003748148.3).

ClinVar aggregate classification (germline): Uncertain significance. Review status: criteria provided, multiple submitters, no conflicts (2 of 4 stars). 2 submissions from 2 submitters: Uncertain significance (2). Last evaluated 2025-12-27.

Conditions:
Hereditary cancer-predisposing syndrome. Also called: Hereditary Cancer Syndrome; Neoplastic Syndromes, Hereditary; Tumor predisposition; Hereditary neoplastic syndrome. Identifiers: Orphanet 140162, MedGen C0027672, MeSH D009386, MONDO:0015356.
Fanconi anemia complementation group J. Also called: BRIP1-Related Fanconi Anemia. Identifiers: Orphanet 84, MedGen C1836860, MONDO:0012187, OMIM 609054.
Familial cancer of breast. Also called: BREAST CANCER, FAMILIAL; hereditary breast carcinoma; Hereditary breast cancer. Identifiers: Orphanet 227535, MedGen C0346153, MONDO:0016419, OMIM 114480. Disease mechanism: loss of function.

gnomAD v4.1: 1 of 1,613,584 alleles (0.000062%); highest among the groups gnomAD compares: Non-Finnish European, 0.000085%; no homozygotes.

Submissions (2):

Ambry Genetics
Classification: Uncertain significance for Hereditary cancer-predisposing syndrome. Last evaluated: 2025-12-27. Review status: criteria provided, single submitter. Criteria: Ambry Variant Classification Scheme 2023. Collection method: clinical testing. Allele origin: germline.
Comment: The p.D188Y variant (also known as c.562G>T), located in coding exon 5 of the BRIP1 gene, results from a G to T substitution at nucleotide position 562. The aspartic acid at codon 188 is replaced by tyrosine, an amino acid with highly dissimilar properties. This amino acid position is conserved. In addition, this alteration is predicted to be tolerated by in silico analysis. Based on the available evidence, the clinical significance of this variant remains unclear.

Labcorp Genetics (formerly Invitae), Labcorp
Classification: Uncertain significance for Familial cancer of breast; Fanconi anemia complementation group J. Last evaluated: 2024-02-18. Review status: criteria provided, single submitter. Criteria: Invitae Variant Classification Sherloc (09022015). Collection method: clinical testing. Allele origin: germline.
Comment: This sequence change replaces aspartic acid, which is acidic and polar, with tyrosine, which is neutral and polar, at codon 188 of the BRIP1 protein (p.Asp188Tyr). This variant is not present in population databases (gnomAD no frequency). This variant has not been reported in the literature in individuals affected with BRIP1-related conditions. Advanced modeling of protein sequence and biophysical properties (such as structural, functional, and spatial information, amino acid conservation, physicochemical variation, residue mobility, and thermodynamic stability) performed at Invitae indicates that this missense variant is not expected to disrupt BRIP1 protein function with a negative predictive value of 80%. In summary, the available evidence is currently insufficient to determine the role of this variant in disease. Therefore, it has been classified as a Variant of Uncertain Significance.